The following is an entry in ClinVar:

ClinVar aggregate classification (germline): Benign. Review status: criteria provided, multiple submitters, no conflicts (2 of 4 stars). 3 submissions from 3 submitters: Benign (2). 1 of the submissions does not count toward it. Last evaluated 2026-02-03.

Conditions:
FBN3-related disorder. Also called: FBN3-related condition.

Allele frequency attached by ClinVar (database versions not stated): ESP Exome Variant Server 0.00731; gnomAD 0.00977 and 0.01176; TOPMed 0.01215; gnomAD exomes 0.01612; ExAC 0.01684; 1000 Genomes Project 30x 0.03123; 1000 Genomes Project 0.03375.
gnomAD v4.1: 15,412 of 1,612,974 alleles (0.96%); highest among the groups gnomAD compares: East Asian, 7.4%; 353 homozygotes.

Submissions (3):

Labcorp Genetics (formerly Invitae), Labcorp
Classification: Benign. Last evaluated: 2026-02-03. Review status: criteria provided, single submitter. Criteria: Invitae Variant Classification Sherloc (09022015). Collection method: clinical testing. Allele origin: germline.

Breakthrough Genomics
Classification: Benign. Review status: criteria provided, single submitter. Criteria: ACMG Guidelines, 2015. Collection method: not provided. Allele origin: germline. Inheritance: Unknown mechanism. Affected: yes.

PreventionGenetics, part of Exact Sciences
Classification: Benign for FBN3-related condition. Last evaluated: 2019-04-24. Review status: no assertion criteria provided. Collection method: clinical testing. Allele origin: germline. Not counted in ClinVar's aggregate classification.
Comment: This variant is classified as benign based on ACMG/AMP sequence variant interpretation guidelines (Richards et al. 2015 PMID: 25741868, with internal and published modifications).

NM_032447.5(FBN3):c.1038C>T (p.Cys346=)

Gene: FBN3 (fibrillin 3; minus strand). Cytogenetic location: 19p13.2.
Variant type: single nucleotide variant.
Coding change: c.1038C>T on transcript NM_032447.5 (MANE Select); coding-DNA position 1038, C replaced by T.
Protein change: p.Cys346=; no amino-acid change (cysteine 346 retained).
Molecular consequence: synonymous variant.
Genome position (GRCh38, 1-based): chr19:8,138,304, G>A on the plus strand (C>T on the coding strand, the complement: FBN3 is on the minus strand). VCF-style: chr19-8138304-G-A. GRCh37 (hg19) VCF-style: chr19-8203188-G-A.
Other names: c.1038C>T (NM_001321431.1); c.1038C>T, p.Cys346= (NM_001321431.2).
Identifiers: ClinVar variation 1626495 (VCV001626495.11), dbSNP rs34278476, ClinGen allele CA9153487.